The following is an entry in ClinVar:

NM_005585.5(SMAD6):c.1048dup (p.Tyr350fs)

Gene: SMAD6 (SMAD family member 6; plus strand). Cytogenetic location: 15q22.31.
Variant type: Duplication.
Coding change: c.1048dup on transcript NM_005585.5 (MANE Select); coding-DNA position 1048, one base duplicated (T; older notation c.1048dupT).
Protein change: p.Tyr350fs; shifts the reading frame from tyrosine 350.
Molecular consequence: frameshift variant. On other transcripts: non-coding transcript variant (1).
Genome position (GRCh38, 1-based): chr15:66,781,092, T duplicated. VCF-style (leftmost placement, unchanged base first): chr15-66781091-G-GT. GRCh37 (hg19) VCF-style: chr15-67073429-G-GT.
Other names: short protein forms Y350fs.
Identifiers: ClinVar variation 4727587 (VCV004727587.1).

ClinVar aggregate classification (germline): Uncertain significance (1 of 4 stars; one submission).

Conditions:
Aortic valve disease 2 (AOVD2). Identifiers: MedGen C3542024, MONDO:0013902, OMIM 614823.

Submission:

Labcorp Genetics (formerly Invitae), Labcorp
Classification: Uncertain significance for Aortic valve disease 2. Last evaluated: 2025-12-26. Review status: criteria provided, single submitter. Criteria: Invitae Variant Classification Sherloc (09022015). Collection method: clinical testing. Allele origin: germline.
Comment: This sequence change is expected to alter the c-terminus of the SMAD6 protein (p.Tyr350Leufs*215). While this is not anticipated to result in nonsense mediated decay, it is expected to disrupt the last 147 amino acid(s) of the SMAD6 protein and extend the protein by 67 additional amino acid residues. This variant is not present in population databases (gnomAD no frequency). This variant has not been reported in the literature in individuals affected with SMAD6-related conditions. Experimental studies and prediction algorithms are not available or were not evaluated, and the functional significance of this variant is currently unknown. In summary, the available evidence is currently insufficient to determine the role of this variant in disease. Therefore, it has been classified as a Variant of Uncertain Significance.